The following is an entry in ClinVar:

ClinVar aggregate classification (germline): Uncertain significance (1 of 4 stars; one submission).

Conditions:
Charcot-Marie-Tooth disease axonal type 2Z. Also called: CHARCOT-MARIE-TOOTH DISEASE, AXONAL, AUTOSOMAL DOMINANT, TYPE 2Z; CHARCOT-MARIE-TOOTH NEUROPATHY, TYPE 2Z. Identifiers: Orphanet 466768, MedGen C5569025, MONDO:0014736, OMIM 616688.

gnomAD v4.1: 2 of 1,614,010 alleles (0.00012%); highest among the groups gnomAD compares: Non-Finnish European, 0.00017%; no homozygotes.

Submission:

Labcorp Genetics (formerly Invitae), Labcorp
Classification: Uncertain significance for Charcot-Marie-Tooth disease axonal type 2Z. Last evaluated: 2024-03-16. Review status: criteria provided, single submitter. Criteria: Invitae Variant Classification Sherloc (09022015). Collection method: clinical testing. Allele origin: germline.
Comment: This sequence change affects codon 262 of the MORC2 mRNA. It is a 'silent' change, meaning that it does not change the encoded amino acid sequence of the MORC2 protein. This variant is not present in population databases (gnomAD no frequency). This variant has not been reported in the literature in individuals affected with MORC2-related conditions. Algorithms developed to predict the effect of sequence changes on RNA splicing suggest that this variant may create or strengthen a splice site. In summary, the available evidence is currently insufficient to determine the role of this variant in disease. Therefore, it has been classified as a Variant of Uncertain Significance.

NM_001303256.3(MORC2):c.786G>A (p.Val262=)

Gene: MORC2 (MORC family CW-type zinc finger 2; minus strand). Cytogenetic location: 22q12.2.
Variant type: single nucleotide variant.
Coding change: c.786G>A on transcript NM_001303256.3 (MANE Select); coding-DNA position 786, G replaced by A.
Protein change: p.Val262=; no amino-acid change (valine 262 retained).
Molecular consequence: synonymous variant.
Genome position (GRCh38, 1-based): chr22:30,941,471, C>T on the plus strand (G>A on the coding strand, the complement: MORC2 is on the minus strand). VCF-style: chr22-30941471-C-T. GRCh37 (hg19) VCF-style: chr22-31337458-C-T.
Other names: c.786G>A, p.Val262= (NM_001303257.2); c.600G>A, p.Val200= (NM_014941.3).
Identifiers: ClinVar variation 3625139 (VCV003625139.2).